The following is an entry in ClinVar:

ClinVar aggregate classification (germline): Uncertain significance (1 of 4 stars; one submission).

Conditions:
Cardiovascular phenotype. Identifiers: MedGen CN230736.

Submission:

Ambry Genetics
Classification: Uncertain significance for Cardiovascular phenotype. Last evaluated: 2025-07-12. Review status: criteria provided, single submitter. Criteria: Ambry Variant Classification Scheme 2023. Collection method: clinical testing. Allele origin: germline.
Comment: The p.R3183S variant (also known as c.9549G>T), located in coding exon 26 of the APOB gene, results from a G to T substitution at nucleotide position 9549. The arginine at codon 3183 is replaced by serine, an amino acid with dissimilar properties. This amino acid position is conserved. In addition, this alteration is predicted to be tolerated by in silico analysis. Based on the available evidence, the clinical significance of this variant remains unclear.

NM_000384.3(APOB):c.9549G>T (p.Arg3183Ser)

Gene: APOB (apolipoprotein B; minus strand). Cytogenetic location: 2p24.1.
Variant type: single nucleotide variant.
Coding change: c.9549G>T on transcript NM_000384.3 (MANE Select); coding-DNA position 9549, G replaced by T.
Protein change: p.Arg3183Ser; replaces arginine 3183 with serine.
Molecular consequence: missense variant.
Genome position (GRCh38, 1-based): chr2:21,007,319, C>A on the plus strand (G>T on the coding strand, the complement: APOB is on the minus strand). VCF-style: chr2-21007319-C-A. GRCh37 (hg19) VCF-style: chr2-21230191-C-A.
Other names: short protein forms R3183S.
Identifiers: ClinVar variation 4125036 (VCV004125036.1).